The following is an entry in ClinVar:

ClinVar aggregate classification (germline): Uncertain significance (1 of 4 stars; one submission).

Submission:

Labcorp Genetics (formerly Invitae), Labcorp
Classification: Uncertain significance. Last evaluated: 2022-07-13. Review status: criteria provided, single submitter. Criteria: Invitae Variant Classification Sherloc (09022015). Collection method: clinical testing. Allele origin: germline.
Comment: In summary, the available evidence is currently insufficient to determine the role of this variant in disease. Therefore, it has been classified as a Variant of Uncertain Significance. Advanced modeling of protein sequence and biophysical properties (such as structural, functional, and spatial information, amino acid conservation, physicochemical variation, residue mobility, and thermodynamic stability) performed at Invitae indicates that this missense variant is not expected to disrupt NSD1 protein function. This variant has not been reported in the literature in individuals affected with NSD1-related conditions. This variant is not present in population databases (gnomAD no frequency). This sequence change replaces proline, which is neutral and non-polar, with arginine, which is basic and polar, at codon 2567 of the NSD1 protein (p.Pro2567Arg).

NM_022455.5(NSD1):c.7700C>G (p.Pro2567Arg)

Gene: NSD1 (nuclear receptor binding SET domain protein 1; plus strand). Cytogenetic location: 5q35.3.
Variant type: single nucleotide variant.
Coding change: c.7700C>G on transcript NM_022455.5 (MANE Select); coding-DNA position 7700, C replaced by G.
Protein change: p.Pro2567Arg; replaces proline 2567 with arginine.
Molecular consequence: missense variant.
Genome position (GRCh38, 1-based): chr5:177,295,068, C>G. VCF-style: chr5-177295068-C-G. GRCh37 (hg19) VCF-style: chr5-176722069-C-G.
Other names: c.6947C>G, p.Pro2316Arg (NM_001409305.1); c.6938C>G, p.Pro2313Arg (NM_001409306.1, NM_001409307.1); c.6827C>G, p.Pro2276Arg (NM_001409308.1, NM_172349.5, NM_001365684.2); c.6578C>G, p.Pro2193Arg (NM_001409309.1); c.7700C>G, p.Pro2567Arg (NM_001409301.1, NM_001409302.1, NM_001409303.1); c.7280C>G, p.Pro2427Arg (NM_001409304.1); short protein forms P2276R, P2298R, P2567R, P2316R, P2427R, P2313R, P2193R.
Identifiers: ClinVar variation 2052008 (VCV002052008.4), dbSNP rs990845532, ClinGen allele CA132863273.
Genomic context (GRCh38, chr5:177,295,068, plus strand): 5'-TTTTATATGAGCCAACAACTCAGGCCTCAGGAAGAGCTTCTGCAGGGGCTGAGCAGACCC[C>G]AGGGCCTCTTAGCCAATCCCCGGGCCTGGTGAAGCAGGCGAAGCAGATGGTCGGAGGCCA-3'
Protein context (NP_071900.2, residues 2557-2577): GRASAGAEQT[Pro2567Arg]GPLSQSPGLV